The following is an entry in ClinVar:

NM_001017420.3(ESCO2):c.1617G>A (p.Trp539Ter)

Gene: ESCO2 (establishment of sister chromatid cohesion N-acetyltransferase 2; plus strand). Cytogenetic location: 8p21.1.
Variant type: single nucleotide variant.
Coding change: c.1617G>A on transcript NM_001017420.3 (MANE Select); coding-DNA position 1617, G replaced by A.
Protein change: p.Trp539Ter; replaces tryptophan 539 with a stop codon.
Molecular consequence: nonsense.
Genome position (GRCh38, 1-based): chr8:27,799,660, G>A. VCF-style: chr8-27799660-G-A. GRCh37 (hg19) VCF-style: chr8-27657177-G-A.
Other names: c.1617G>A (NM_001017420.2); short protein forms W539*.
Identifiers: ClinVar variation 2722526 (VCV002722526.4), dbSNP rs2486679687, ClinGen allele CA370827404.
Genomic context (GRCh38, chr8:27,799,660, plus strand): 5'-TAGGGCTTGGCAATGTTCAGATGTACCAGAACCTGCAGTCTGTGGGATAAGTAGAATCTG[G>A]GTTTTCAGACTGAAGAGAAGAAAGCGCATTGCAAGACGACTGGTTGATACCCTCAGGTAA-3'

ClinVar aggregate classification (germline): Pathogenic/Likely pathogenic. Review status: criteria provided, multiple submitters, no conflicts (2 of 4 stars). 2 submissions from 2 submitters: Pathogenic (1); Likely pathogenic (1). Last evaluated 2026-09-03.

Conditions:
ESCO2-related disorder. Also called: ESCO2-related condition.

Submissions (2):

PreventionGenetics, part of Exact Sciences
Classification: Likely pathogenic for ESCO2-related condition. Last evaluated: 2026-09-03. Review status: criteria provided, single submitter. Criteria: ACMG Guidelines, 2015. Collection method: clinical testing. Allele origin: germline.
Comment: The ESCO2 c.1617G>A variant is predicted to result in premature protein termination (p.Trp539*). To our knowledge, this variant has not been reported in the literature or in a large population database (gnomAD), indicating this variant is rare. Nonsense variants in ESCO2 are expected to be pathogenic. This variant is interpreted as likely pathogenic.

Labcorp Genetics (formerly Invitae), Labcorp
Classification: Pathogenic. Last evaluated: 2024-01-11. Review status: criteria provided, single submitter. Criteria: Invitae Variant Classification Sherloc (09022015). Collection method: clinical testing. Allele origin: germline.
Comment: This sequence change creates a premature translational stop signal (p.Trp539*) in the ESCO2 gene. It is expected to result in an absent or disrupted protein product. Loss-of-function variants in ESCO2 are known to be pathogenic (PMID: 15821733, 16380922). This variant is not present in population databases (gnomAD no frequency). This variant has not been reported in the literature in individuals affected with ESCO2-related conditions. For these reasons, this variant has been classified as Pathogenic.

Literature cited by the submitters: PubMed 15821733 (cited by Labcorp Genetics (formerly Invitae), Labcorp); PubMed 16380922 (cited by Labcorp Genetics (formerly Invitae), Labcorp).